The following is an entry in ClinVar:

ClinVar aggregate classification (germline): Conflicting classifications of pathogenicity. Review status: criteria provided, conflicting classifications (1 of 4 stars). 11 submissions from 11 submitters: Uncertain significance (8); Likely benign (2). 1 of the submissions does not count toward it. Last evaluated 2026-04-13.

Conditions:
CDH1-related disorder. Also called: CDH1-related condition.
Hereditary cancer-predisposing syndrome. Also called: Neoplastic Syndromes, Hereditary; Tumor predisposition; Hereditary Cancer Syndrome; Hereditary neoplastic syndrome. Identifiers: Orphanet 140162, MedGen C0027672, MeSH D009386, MONDO:0015356.
Hereditary diffuse gastric adenocarcinoma (HDGC). Also called: DIFFUSE GASTRIC AND LOBULAR BREAST CANCER SYNDROME. Identifiers: Orphanet 26106, MedGen C1708349, MONDO:0007648, OMIM 137215.
Familial cancer of breast. Also called: hereditary breast carcinoma; BREAST CANCER, FAMILIAL; Hereditary breast cancer. Identifiers: Orphanet 227535, MedGen C0346153, MONDO:0016419, OMIM 114480. Disease mechanism: loss of function.
Malignant tumor of breast. Also called: Malignant breast neoplasm; Cancer breast. Identifiers: MedGen C0006142, MONDO:0007254. Disease mechanism: loss of function.

Allele frequency attached by ClinVar (database versions not stated): gnomAD exomes 0.00003 and 0.00008; TOPMed 0.00003; gnomAD 0.00006; ExAC 0.00011.
gnomAD v4.1: 63 of 1,613,854 alleles (0.0039%); highest among the groups gnomAD compares: Admixed American, 0.005%; no homozygotes.

Submissions (11):

Ambry Genetics
Classification: Likely benign for Hereditary cancer-predisposing syndrome. Last evaluated: 2026-04-13. Review status: criteria provided, single submitter. Criteria: Ambry Variant Classification Scheme 2023. Collection method: clinical testing. Allele origin: germline.

PreventionGenetics, part of Exact Sciences
Classification: Uncertain significance for CDH1-related condition. Last evaluated: 2025-11-25. Review status: criteria provided, single submitter. Criteria: ACMG Guidelines, 2015. Collection method: clinical testing. Allele origin: germline.
Comment: The CDH1 c.846G>A variant is predicted to result in the amino acid substitution p.Met282Ile. This variant has not been reported in the literature in individuals with breast cancer and in controls (Lerner-Ellis et al. 2020. PubMed ID: 32885271; Breast Cancer Association Consortium et al. 2021. PubMed ID: 33471991). This variant is reported in 0.060% of alleles in individuals of European (Finnish) descent in gnomAD and has conflicting interpretations in ClinVar ranging from uncertain to likely benign (Variation ID: 219957). At this time, the clinical significance of this variant is uncertain due to the absence of conclusive functional and genetic evidence.

Labcorp Genetics (formerly Invitae), Labcorp
Classification: Uncertain significance for Hereditary diffuse gastric adenocarcinoma. Last evaluated: 2025-05-25. Review status: criteria provided, single submitter. Criteria: Invitae Variant Classification Sherloc (09022015). Collection method: clinical testing. Allele origin: germline.
Comment: This sequence change replaces methionine, which is neutral and non-polar, with isoleucine, which is neutral and non-polar, at codon 282 of the CDH1 protein (p.Met282Ile). This variant is present in population databases (rs200932258, gnomAD 0.06%), and has an allele count higher than expected for a pathogenic variant. This missense change has been observed in individual(s) with breast cancer (PMID: 11857408, 32885271). ClinVar contains an entry for this variant (Variation ID: 219957). An algorithm developed to predict the effect of missense changes on protein structure and function (PolyPhen-2) suggests that this variant is likely to be disruptive. In summary, the available evidence is currently insufficient to determine the role of this variant in disease. Therefore, it has been classified as a Variant of Uncertain Significance.

Baylor Genetics
Classification: Uncertain significance for Familial cancer of breast. Last evaluated: 2024-03-11. Review status: criteria provided, single submitter. Criteria: ACMG Guidelines, 2015. Collection method: clinical testing. Allele origin: unknown.

GeneDx
Classification: Uncertain significance. Last evaluated: 2023-06-21. Review status: criteria provided, single submitter. Criteria: GeneDx Variant Classification Process June 2021. Collection method: clinical testing. Allele origin: germline. Affected: yes.
Comment: In silico analysis supports that this missense variant has a deleterious effect on protein structure/function; This variant is associated with the following publications: (PMID: 11857408, 17224074, 21575214, 22470475, 26486520, 30363059, 15235021, 22850631, 33471991, 32885271)

Quest Diagnostics Nichols Institute San Juan Capistrano
Classification: Likely benign. Last evaluated: 2022-10-22. Review status: criteria provided, single submitter. Criteria: Quest Diagnostics criteria. Collection method: clinical testing. Allele origin: unknown.

Women's Health and Genetics/Laboratory Corporation of America, LabCorp
Classification: Uncertain significance. Last evaluated: 2022-08-23. Review status: criteria provided, single submitter. Criteria: LabCorp Variant Classification Summary - May 2015. Collection method: clinical testing. Allele origin: germline.
Comment: Variant summary: CDH1 c.846G>A (p.Met282Ile) results in a conservative amino acid change located in the second cadherin repeat domain (IPR002126) of the encoded protein sequence. Three of five in-silico tools predict a benign effect of the variant on protein function. The variant allele was found at a frequency of 8e-05 in 236920 control chromosomes (gnomAD v2.1.1, non-cancer dataset). The observed variant frequency is approximately 4-fold of the estimated maximal expected allele frequency for a pathogenic variant in CDH1 causing Breast Cancer (2.1e-05), suggesting the variant may be benign. c.846G>A has been reported in the literature as a somatic variant in breast cancers (e.g. Lei_2002, Chanock_2007) and as a VUS in a setting of multigene panel testing in at least one individual with a personal and family history of breast cancer (Lerner-Ellis_2021). In a recent large study evaluating breast cancer cases and controls in the Breast Cancer Association Consortium (BCAC), the variant was reported in 10/60466 cases, and was found in 5/53461 controls (Dorling_2021 through LOVD). These reports do not provide unequivocal conclusions about association of the variant with breast cancer. To our knowledge, no experimental evidence demonstrating an impact on protein function has been reported. Five submitters have provided clinical-significance assessments for this variant to ClinVar after 2014. All laboratories classified the variant as uncertain significance. Based on the evidence outlined above, the variant was classified as VUS.

St. Jude Molecular Pathology, St. Jude Children's Research Hospital
Classification: Uncertain significance for Hereditary diffuse gastric adenocarcinoma. Last evaluated: 2022-05-16. Review status: criteria provided, single submitter. Criteria: St. Jude Assertion Criteria 2020. Collection method: clinical testing. Allele origin: germline.
Comment: The CDH1 c.846G>A (p.Met282Ile) missense change has a maximum subpopulation frequency of 0.060% in gnomAD v2.1.1. In silico tools are inconclusive about the effect of this variant on protein function, and to our knowledge functional assays have not been performed. This variant has been reported as a somatic variant in a lobular breast carcinoma (PMID: 33441174) and a ductal breast carcinoma (PMID: 11857408). One individual with this variant is reported in a database of women older than 70 years of age who have never had cancer (FLOSSIES). To our knowledge, this variant has not been reported in individuals with diffuse gastric and lobular breast cancer syndrome. In summary, this variant meets criteria to be classified as of uncertain significance based on the ACMG/AMP criteria, as specified by the CDH1 Variant Curation Expert Panel (PMID: 30311375): no criteria met.

Color Diagnostics, LLC DBA Color Health
Classification: Uncertain significance for Hereditary cancer-predisposing syndrome. Last evaluated: 2022-04-06. Review status: criteria provided, single submitter. Criteria: ACMG Guidelines, 2015. Collection method: clinical testing. Allele origin: germline.
Comment: This missense variant replaces methionine with isoleucine at codon 282 of the CDH1 protein. To our knowledge, functional studies have not been reported for this variant. This variant has not been reported in individuals affected with hereditary cancer in the literature. This variant has been identified in 21/282846 chromosomes in the general population by the Genome Aggregation Database (gnomAD). The available evidence is insufficient to determine the role of this variant in disease conclusively. Therefore, this variant is classified as a Variant of Uncertain Significance.

Breakthrough Genomics
Classification: Uncertain significance. Review status: criteria provided, single submitter. Criteria: ACMG Guidelines, 2015. Collection method: not provided. Allele origin: germline. Inheritance: Autosomal dominant inheritance. Affected: yes.

Department of Pathology and Laboratory Medicine, Sinai Health System
Classification: Uncertain significance for Malignant tumor of breast. Review status: no assertion criteria provided. Collection method: clinical testing. Allele origin: unknown. Affected: yes. Study: The Canadian Open Genetics Repository (COGR). Not counted in ClinVar's aggregate classification.

Literature cited by the submitters: PubMed 11857408 (cited by 3 submitters); PubMed 32885271 (cited by Labcorp Genetics (formerly Invitae), Labcorp and Women's Health and Genetics/Laboratory Corporation of America, LabCorp); PubMed 33471991 (cited by Quest Diagnostics Nichols Institute San Juan Capistrano and Women's Health and Genetics/Laboratory Corporation of America, LabCorp); PubMed 17224074 (cited by Quest Diagnostics Nichols Institute San Juan Capistrano and Women's Health and Genetics/Laboratory Corporation of America, LabCorp).

NM_004360.5(CDH1):c.846G>A (p.Met282Ile)

Gene: CDH1 (cadherin 1; plus strand). Cytogenetic location: 16q22.1.
Variant type: single nucleotide variant.
Coding change: c.846G>A on transcript NM_004360.5 (MANE Select); coding-DNA position 846, G replaced by A.
Protein change: p.Met282Ile; replaces methionine 282 with isoleucine.
Molecular consequence: missense variant. On other transcripts: 5 prime UTR variant (2).
Genome position (GRCh38, 1-based): chr16:68,811,697, G>A. VCF-style: chr16-68811697-G-A. GRCh37 (hg19) VCF-style: chr16-68845600-G-A.
Other names: c.846G>A, p.Met282Ile (NM_001317184.2); c.-770G>A (NM_001317185.2); c.-974G>A (NM_001317186.2); c.846G>A (LRG_301t1); short protein forms M282I.
Identifiers: ClinVar variation 219957 (VCV000219957.34), dbSNP rs200932258, ClinGen allele CA349115.